The following is an entry in ClinVar:

ClinVar aggregate classification (germline): Uncertain significance (1 of 4 stars; one submission).

Submission:

GeneDx
Classification: Uncertain significance. Last evaluated: 2017-10-13. Review status: criteria provided, single submitter. Criteria: GeneDx Variant Classification (06012015). Collection method: clinical testing. Allele origin: germline. Affected: yes.
Comment: The K158R variant has not been published as a pathogenic variant, nor has it been reported as a benign variant to our knowledge. The K158R variant is not observed in large population cohorts (Lek et al., 2016). This substitution occurs at a position that is conserved across species. In silico analysis predicts this variant is probably damaging to the protein structure/function. However, the K158R variant is a conservative amino acid substitution, which is not likely to impact secondary protein structure as these residues share similar properties. Therefore, based on the currently available information, it is unclear whether this variant is a pathogenic variant or a rare benign variant.

NM_020320.5(RARS2):c.473A>G (p.Lys158Arg)

Gene: RARS2 (arginyl-tRNA synthetase 2, mitochondrial; minus strand). Cytogenetic location: 6q15.
Variant type: single nucleotide variant.
Coding change: c.473A>G on transcript NM_020320.5 (MANE Select); coding-DNA position 473, A replaced by G.
Protein change: p.Lys158Arg; replaces lysine 158 with arginine.
Molecular consequence: missense variant. On other transcripts: 5 prime UTR variant (7), non-coding transcript variant (15).
Genome position (GRCh38, 1-based): chr6:87,545,678, T>C on the plus strand (A>G on the coding strand, the complement: RARS2 is on the minus strand). VCF-style: chr6-87545678-T-C. GRCh37 (hg19) VCF-style: chr6-88255396-T-C.
Other names: c.-53A>G (NM_001318785.2, NM_001350506.2, NM_001350507.2 and 4 more transcripts); c.473A>G, p.Lys158Arg (NM_001350505.2); short protein forms K158R.
Identifiers: ClinVar variation 452696 (VCV000452696.2), dbSNP rs1554196985, ClinGen allele CA364933177.